The following is an entry in ClinVar:

ClinVar aggregate classification (germline): Uncertain significance (1 of 4 stars; one submission).

gnomAD v4.1: 3 of 1,539,926 alleles (0.00019%); highest among the groups gnomAD compares: Non-Finnish European, 0.00018%; no homozygotes.

Submission:

CeGaT Center for Human Genetics Tuebingen
Classification: Uncertain significance. Last evaluated: 2025-11-01. Review status: criteria provided, single submitter. Criteria: CeGaT Center For Human Genetics Tuebingen Variant Classification Criteria Version 2. Collection method: clinical testing. Allele origin: germline. Affected: yes. Observed: 1 variant allele.
Comment: COL18A1: PM2, BP4

NM_001379500.1(COL18A1):c.107-11447G>A

Gene: COL18A1 (collagen type XVIII alpha 1 chain; plus strand). Cytogenetic location: 21q22.3.
Variant type: single nucleotide variant.
Coding change: c.107-11447G>A on transcript NM_001379500.1 (MANE Select); 11447 bases into the intron before coding-DNA position 107, G replaced by A.
Molecular consequence: intron variant. On other transcripts: missense variant (1).
Genome position (GRCh38, 1-based): chr21:45,456,795, G>A. VCF-style: chr21-45456795-G-A. GRCh37 (hg19) VCF-style: chr21-46876709-G-A.
Other names: c.1265G>A, p.Arg422His (NM_130444.3); c.646+619G>A (NM_030582.4); short protein forms R422H.
Identifiers: ClinVar variation 4534018 (VCV004534018.6).